The following is an entry in ClinVar:

ClinVar aggregate classification (germline): Uncertain significance (1 of 4 stars; one submission).

Submission:

Clinical Genomics Laboratory, Laboratory for Precision Diagnostics, University of Washington
Classification: Uncertain significance. Last evaluated: 2024-04-15. Review status: criteria provided, single submitter. Criteria: ACMG/ClinGen CNV Guidelines, 2019. Collection method: clinical testing. Allele origin: unknown. Affected: yes. Observed: 1 variant allele.

GRCh38/hg38 22q11.21(chr22:20379205-21109441)x3

Genes: AIFM3 (AIF family member 3; plus strand), CRKL (CRK like proto-oncogene, adaptor protein; plus strand), KLHL22 (kelch like family member 22; minus strand), LINC01637 (long independently transcribed non-coding RNA 1637; plus strand), LRRC74B (leucine rich repeat containing 74B; plus strand) and 59 more. Cytogenetic location: 22q11.21.
Variant type: copy number gain.
Change: copy number 3 (three copies instead of two) of chr22:20,379,205-21,109,441 (730.2 kb, GRCh38 coordinates, 1-based), cytogenetic band 22q11.21.
Identifiers: ClinVar variation 4974737 (VCV004974737.1).